The following is an entry in ClinVar:

NM_000179.3(MSH6):c.3556+3G>A

Gene: MSH6 (mutS homolog 6; plus strand). Cytogenetic location: 2p16.3.
Variant type: single nucleotide variant.
Coding change: c.3556+3G>A on transcript NM_000179.3 (MANE Select); 3 bases into the intron after coding-DNA position 3556, G replaced by A.
Molecular consequence: intron variant.
Genome position (GRCh38, 1-based): chr2:47,805,030, G>A. VCF-style: chr2-47805030-G-A. GRCh37 (hg19) VCF-style: chr2-48032169-G-A.
Other names: c.2650+3G>A (NM_001281493.2, NM_001281494.2); c.3166+3G>A (NM_001281492.2).
Identifiers: ClinVar variation 619700 (VCV000619700.14), dbSNP rs1057521667, ClinGen allele CA913189357.

ClinVar aggregate classification (germline): Conflicting classifications of pathogenicity. Review status: criteria provided, conflicting classifications (1 of 4 stars). 5 submissions from 5 submitters: Uncertain significance (3); Likely benign (2). Last evaluated 2025-04-17.

Conditions:
Hereditary nonpolyposis colorectal neoplasms. Identifiers: MedGen C0009405, MeSH D003123.
Hereditary cancer-predisposing syndrome. Also called: Neoplastic Syndromes, Hereditary; Hereditary neoplastic syndrome; Tumor predisposition; Hereditary Cancer Syndrome. Identifiers: Orphanet 140162, MedGen C0027672, MeSH D009386, MONDO:0015356.
Lynch syndrome 5 (LYNCH5). Also called: Colorectal cancer, hereditary nonpolyposis, type 5; Hereditary non-polyposis colorectal cancer, type 5. Identifiers: Orphanet 144, MedGen C1833477, MONDO:0013710, OMIM 614350. Disease mechanism: loss of function.

Submissions (5):

Labcorp Genetics (formerly Invitae), Labcorp
Classification: Likely benign for Hereditary nonpolyposis colorectal neoplasms. Last evaluated: 2025-04-17. Review status: criteria provided, single submitter. Criteria: Invitae Variant Classification Sherloc (09022015). Collection method: clinical testing. Allele origin: germline.

Myriad Genetics, Inc.
Classification: Likely benign for Lynch syndrome 5. Last evaluated: 2025-01-07. Review status: criteria provided, single submitter. Criteria: Myriad Autosomal Dominant, Autosomal Recessive and X-Linked Classification Criteria (2023). Collection method: clinical testing. Allele origin: unknown.
Comment: This variant is considered likely benign. This variant is intronic and is not expected to impact mRNA splicing.

Color Diagnostics, LLC DBA Color Health
Classification: Uncertain significance for Hereditary cancer-predisposing syndrome. Last evaluated: 2023-11-13. Review status: criteria provided, single submitter. Criteria: ACMG Guidelines, 2015. Collection method: clinical testing. Allele origin: germline.
Comment: This variant causes a G to A nucleotide substitution at the +3 position of intron 6 of the MSH6 gene. To our knowledge, functional studies have not been reported for this variant. This variant has not been reported in individuals affected with MSH6-related disorders in the literature. This variant has not been identified in the general population by the Genome Aggregation Database (gnomAD). The available evidence is insufficient to determine the role of this variant in disease conclusively. Therefore, this variant is classified as a Variant of Uncertain Significance.

Ambry Genetics
Classification: Uncertain significance for Hereditary cancer-predisposing syndrome. Last evaluated: 2023-10-06. Review status: criteria provided, single submitter. Criteria: Ambry Variant Classification Scheme 2023. Collection method: clinical testing. Allele origin: germline.
Comment: The c.3556+3G>A intronic variant results from a G to A substitution 3 nucleotides after coding exon 6 in the MSH6 gene. This nucleotide position is well conserved in available vertebrate species. In silico splice site analysis predicts that this alteration will not have any significant effect on splicing. Since supporting evidence is limited at this time, the clinical significance of this alteration remains unclear.

Quest Diagnostics Nichols Institute San Juan Capistrano
Classification: Uncertain significance. Last evaluated: 2018-03-29. Review status: criteria provided, single submitter. Criteria: Quest Diagnostics criteria. Collection method: clinical testing. Allele origin: germline.